The following is an entry in ClinVar:

NM_001370466.1(NOD2):c.2466-11G>T

Gene: NOD2 (nucleotide binding oligomerization domain containing 2; plus strand). Cytogenetic location: 16q12.1.
Variant type: single nucleotide variant.
Coding change: c.2466-11G>T on transcript NM_001370466.1 (MANE Select); 11 bases into the intron before coding-DNA position 2466, G replaced by T.
Molecular consequence: intron variant.
Genome position (GRCh38, 1-based): chr16:50,716,880, G>T. VCF-style: chr16-50716880-G-T. GRCh37 (hg19) VCF-style: chr16-50750791-G-T.
Other names: c.2547-11G>T (LRG_177t1, NM_022162.3); c.2466-11G>T (NM_001293557.2).
Identifiers: ClinVar variation 319469 (VCV000319469.17), dbSNP rs5743285, ClinGen allele CA8051839.
Genomic context (GRCh38, chr16:50,716,880, plus strand): 5'-AACCCTGGGATTTGGTGCTCACTGTCCAATGTGCTTTGCTTCTGTGTCTCCTCTCTTCTG[G>T]AACTGAACAGTCTATTCAACAACAAATTGACTGACGGCTGTGCACACTCCATGGCTAAGC-3'

ClinVar aggregate classification (germline): Benign/Likely benign. Review status: criteria provided, multiple submitters, no conflicts (2 of 4 stars). 4 submissions from 3 submitters: Benign (2); Likely benign (2). Last evaluated 2026-01-26.

Conditions:
Blau syndrome (BLAUS). Also called: GRANULOMATOSIS, FAMILIAL JUVENILE SYSTEMIC; GRANULOMATOSIS, FAMILIAL, BLAU TYPE; GRANULOMATOUS INFLAMMATORY ARTHRITIS, DERMATITIS, AND UVEITIS, FAMILIAL; JABS SYNDROME; ARTHROCUTANEOUVEAL GRANULOMATOSIS. Identifiers: Orphanet 90340, MedGen C5201146, MONDO:0008523, OMIM 186580.
Regional enteritis. Also called: Enteritis, Granulomatous. Identifiers: MedGen C0678202, MeSH D003424.
Inflammatory bowel disease 1 (IBD1). Also called: INFLAMMATORY BOWEL DISEASE (CROHN DISEASE) 1; Inflammatory bowel disease 1, Crohn disease. Identifiers: MedGen CN260071, MONDO:0009960, OMIM 266600.

Allele frequency attached by ClinVar (database versions not stated): ExAC 0.00124; gnomAD 0.00384 and 0.00402; ESP Exome Variant Server 0.00392; TOPMed 0.00416; 1000 Genomes Project 0.00559; 1000 Genomes Project 30x 0.00593.
gnomAD v4.1: 1,124 of 1,613,514 alleles (0.07%); highest among the groups gnomAD compares: African/African-American, 1.3%; 8 homozygotes.

Submissions (4):

Labcorp Genetics (formerly Invitae), Labcorp
Classification: Benign for Regional enteritis; Blau syndrome. Last evaluated: 2026-01-26. Review status: criteria provided, single submitter. Criteria: Invitae Variant Classification Sherloc (09022015). Collection method: clinical testing. Allele origin: germline.

Blueprint Genetics
Classification: Likely benign. Last evaluated: 2024-09-23. Review status: criteria provided, single submitter. Criteria: ACMG Guidelines, 2015. Collection method: clinical testing. Allele origin: germline.

Illumina Laboratory Services, Illumina
Classification: Likely benign for Inflammatory bowel disease 1. Last evaluated: 2018-01-12. Review status: criteria provided, single submitter. Criteria: ICSL Variant Classification Criteria 13 December 2019. Collection method: clinical testing. Allele origin: germline.
Comment: This variant was observed in the ICSL laboratory as part of a predisposition screen in an ostensibly healthy population. It had not been previously curated by ICSL or reported in the Human Gene Mutation Database (HGMD: prior to June 1st, 2018), and was therefore a candidate for classification through an automated scoring system. Utilizing variant allele frequency, disease prevalence and penetrance estimates, and inheritance mode, an automated score was calculated to assess if this variant is too frequent to cause the disease. Based on the score and internal cut-off values, a variant classified as likely benign is not then subjected to further curation. The score for this variant resulted in a classification of likely benign for this disease.

Illumina Laboratory Services, Illumina
Classification: Benign for Blau syndrome. Last evaluated: 2018-01-12. Review status: criteria provided, single submitter. Criteria: ICSL Variant Classification Criteria 13 December 2019. Collection method: clinical testing. Allele origin: germline.
Comment: This variant was observed in the ICSL laboratory as part of a predisposition screen in an ostensibly healthy population. It had not been previously curated by ICSL or reported in the Human Gene Mutation Database (HGMD: prior to June 1st, 2018), and was therefore a candidate for classification through an automated scoring system. Utilizing variant allele frequency, disease prevalence and penetrance estimates, and inheritance mode, an automated score was calculated to assess if this variant is too frequent to cause the disease. Based on the score and internal cut-off values, a variant classified as benign is not then subjected to further curation. The score for this variant resulted in a classification of benign for this disease.